The following is an entry in ClinVar:

ClinVar aggregate classification (germline): Likely pathogenic. Review status: criteria provided, multiple submitters, no conflicts (2 of 4 stars). 3 submissions from 3 submitters: Likely pathogenic (3). Last evaluated 2024-05-21.

Conditions:
Nephrotic syndrome, type 2 (NPHS2). Also called: NEPHROTIC SYNDROME, STEROID-RESISTANT, AUTOSOMAL RECESSIVE. Identifiers: Orphanet 656, MedGen C1868672, MONDO:0010974, OMIM 600995.

Submissions (3):

Fulgent Genetics
Classification: Likely pathogenic for Nephrotic syndrome, type 2. Last evaluated: 2024-05-21. Review status: criteria provided, single submitter. Criteria: ACMG Guidelines, 2015. Collection method: clinical testing. Allele origin: germline.

Labcorp Genetics (formerly Invitae), Labcorp
Classification: Likely pathogenic. Last evaluated: 2024-03-06. Review status: criteria provided, single submitter. Criteria: Invitae Variant Classification Sherloc (09022015). Collection method: clinical testing. Allele origin: germline.
Comment: This sequence change replaces lysine, which is basic and polar, with glutamic acid, which is acidic and polar, at codon 289 of the NPHS2 protein (p.Lys289Glu). This variant is not present in population databases (gnomAD no frequency). This missense change has been observed in individual(s) with steroid‑resistant nephrotic syndrome (PMID: 35099763). In at least one individual the data is consistent with being in trans (on the opposite chromosome) from a pathogenic variant. It has also been observed to segregate with disease in related individuals. Advanced modeling of protein sequence and biophysical properties (such as structural, functional, and spatial information, amino acid conservation, physicochemical variation, residue mobility, and thermodynamic stability) performed at Invitae indicates that this missense variant is not expected to disrupt NPHS2 protein function with a negative predictive value of 80%. Experimental studies have shown that this missense change affects NPHS2 function (PMID: 35099763). In summary, the currently available evidence indicates that the variant is pathogenic, but additional data are needed to prove that conclusively. Therefore, this variant has been classified as Likely Pathogenic.

Juno Genomics, Hangzhou Juno Genomics, Inc
Classification: Likely pathogenic for Nephrotic syndrome, type 2. Review status: criteria provided, single submitter. Criteria: ACMG Guidelines, 2015. Collection method: clinical testing. Allele origin: germline.
Comment: Absent from controls (or at extremely low frequency if recessive) in Genome Aggregation Database.;For recessive disorders, detected in trans with a pathogenic variant.;Co-segregation with disease in multiple affected family members.;Patient's phenotype or family history is highly specific for a disease with a single genetic etiology.;Well-established in vitro or in vivo functional studies supportive of a damaging effect on the gene or gene product.

Literature cited by the submitters: PubMed 35099763 (cited by Labcorp Genetics (formerly Invitae), Labcorp).

NM_014625.4(NPHS2):c.865A>G (p.Lys289Glu)

Genes: NPHS2 (NPHS2 stomatin family member, podocin; minus strand), AXDND1 (axonemal dynein light chain domain containing 1; plus strand). Cytogenetic location: 1q25.2.
Variant type: single nucleotide variant.
Coding change: c.865A>G on transcript NM_014625.4 (MANE Select); coding-DNA position 865, A replaced by G.
Protein change: p.Lys289Glu; replaces lysine 289 with glutamic acid.
Molecular consequence: missense variant. On other transcripts: intron variant (1).
Genome position (GRCh38, 1-based): chr1:179,552,611, T>C on the plus strand (A>G on the coding strand, the complement: NPHS2 is on the minus strand). VCF-style: chr1-179552611-T-C. GRCh37 (hg19) VCF-style: chr1-179521746-T-C.
Other names: c.661A>G, p.Lys221Glu (NM_001297575.2); c.3032-1901T>C (NM_144696.6); short protein forms K289E, K221E.
Identifiers: ClinVar variation 2883744 (VCV002883744.6), dbSNP rs2526191812, ClinGen allele CA343566027.
Genomic context (GRCh38, chr1:179,552,611, plus strand): 5'-CACGAGCAGGCCTTCCTAAAGGGCAGTCTGGGTGGGAGGATGGAGTGCTCACCCGCACTT[T>C]GGCTTGTCTTTGCGCTTCAGCCTCCACAGCCAGTGAGTGCTGAAGCCCAGCTGGCAACCT-3'
Protein context (NP_055440.1, residues 279-299): AVEAEAQRQA[Lys289Glu]VRMIAAEAEK